The following is an entry in ClinVar:

ClinVar aggregate classification (germline): Uncertain significance (1 of 4 stars; one submission).

Conditions:
Early-infantile DEE. Also called: Ohtahara syndrome; Early infantile epileptic encephalopathy with suppression bursts; Early infantile epileptic encephalopathy. Identifiers: Orphanet 1934, MedGen C0393706, MONDO:0800491.

Submission:

Labcorp Genetics (formerly Invitae), Labcorp
Classification: Uncertain significance for Early-infantile DEE. Last evaluated: 2023-12-06. Review status: criteria provided, single submitter. Criteria: Invitae Variant Classification Sherloc (09022015). Collection method: clinical testing. Allele origin: germline.
Comment: This sequence change replaces leucine, which is neutral and non-polar, with glutamine, which is neutral and polar, at codon 739 of the KCNQ2 protein (p.Leu739Gln). This variant is not present in population databases (gnomAD no frequency). This variant has not been reported in the literature in individuals affected with KCNQ2-related conditions. ClinVar contains an entry for this variant (Variation ID: 1006011). An algorithm developed to predict the effect of missense changes on protein structure and function (PolyPhen-2) suggests that this variant is likely to be disruptive. In summary, the available evidence is currently insufficient to determine the role of this variant in disease. Therefore, it has been classified as a Variant of Uncertain Significance.

NM_172107.4(KCNQ2):c.2216T>A (p.Leu739Gln)

Gene: KCNQ2 (potassium voltage-gated channel subfamily Q member 2; minus strand). Cytogenetic location: 20q13.33.
Variant type: single nucleotide variant.
Coding change: c.2216T>A on transcript NM_172107.4 (MANE Select); coding-DNA position 2216, T replaced by A.
Protein change: p.Leu739Gln; replaces leucine 739 with glutamine.
Molecular consequence: missense variant.
Genome position (GRCh38, 1-based): chr20:63,407,047, A>T on the plus strand (T>A on the coding strand, the complement: KCNQ2 is on the minus strand). VCF-style: chr20-63407047-A-T. GRCh37 (hg19) VCF-style: chr20-62038400-A-T.
Other names: c.2270T>A, p.Leu757Gln (NM_001382235.1); c.2132T>A, p.Leu711Gln (NM_004518.6); c.2162T>A, p.Leu721Gln (NM_172106.3); c.2123T>A, p.Leu708Gln (NM_172108.5); short protein forms L708Q, L711Q, L721Q, L739Q, L757Q.
Identifiers: ClinVar variation 1006011 (VCV001006011.9), dbSNP rs2079965385, ClinGen allele CA409638457.